The following is an entry in ClinVar:

NM_031220.4(PITPNM3):c.1602G>T (p.Met534Ile)

Gene: PITPNM3 (PITPNM family member 3; minus strand). Cytogenetic location: 17p13.2.
Variant type: single nucleotide variant.
Coding change: c.1602G>T on transcript NM_031220.4 (MANE Select); coding-DNA position 1602, G replaced by T.
Protein change: p.Met534Ile; replaces methionine 534 with isoleucine.
Molecular consequence: missense variant.
Genome position (GRCh38, 1-based): chr17:6,471,183, C>A on the plus strand (G>T on the coding strand, the complement: PITPNM3 is on the minus strand). VCF-style: chr17-6471183-C-A. GRCh37 (hg19) VCF-style: chr17-6374503-C-A.
Other names: c.1494G>T, p.Met498Ile (NM_001165966.2); short protein forms M534I, M498I.
Identifiers: ClinVar variation 1473138 (VCV001473138.8), dbSNP rs1185311577, ClinGen allele CA397404948.

ClinVar aggregate classification (germline): Uncertain significance (1 of 4 stars; one submission).

Allele frequency attached by ClinVar (database versions not stated): gnomAD exomes below 0.00001.
gnomAD v4.1: 4 of 1,612,818 alleles (0.00025%); highest among the groups gnomAD compares: Non-Finnish European, 0.00034%; no homozygotes.

Submission:

Labcorp Genetics (formerly Invitae), Labcorp
Classification: Uncertain significance. Last evaluated: 2022-07-19. Review status: criteria provided, single submitter. Criteria: Invitae Variant Classification Sherloc (09022015). Collection method: clinical testing. Allele origin: germline.
Comment: In summary, the available evidence is currently insufficient to determine the role of this variant in disease. Therefore, it has been classified as a Variant of Uncertain Significance. Algorithms developed to predict the effect of missense changes on protein structure and function (SIFT, PolyPhen-2, Align-GVGD) all suggest that this variant is likely to be tolerated. ClinVar contains an entry for this variant (Variation ID: 1473138). This variant has not been reported in the literature in individuals affected with PITPNM3-related conditions. This variant is present in population databases (no rsID available, gnomAD 0.0009%). This sequence change replaces methionine, which is neutral and non-polar, with isoleucine, which is neutral and non-polar, at codon 534 of the PITPNM3 protein (p.Met534Ile).